The following is an entry in ClinVar:

ClinVar aggregate classification (germline): Uncertain significance (1 of 4 stars; one submission).

Conditions:
Inborn genetic diseases. Identifiers: MedGen C0950123, MeSH D030342.

gnomAD v4.1: 1 of 1,574,424 alleles (0.000064%); highest among the groups gnomAD compares: Non-Finnish European, 0.000086%; no homozygotes.

Submission:

Ambry Genetics
Classification: Uncertain significance for Inborn genetic diseases. Last evaluated: 2024-12-02. Review status: criteria provided, single submitter. Criteria: Ambry Variant Classification Scheme 2023. Collection method: clinical testing. Allele origin: germline.
Comment: The p.Y371C variant (also known as c.1112A>G), located in coding exon 10 of the PAX5 gene, results from an A to G substitution at nucleotide position 1112. The tyrosine at codon 371 is replaced by cysteine, an amino acid with highly dissimilar properties. This amino acid position is conserved. In addition, this alteration is predicted to be deleterious by in silico analysis. Based on the available evidence, the clinical significance of this variant remains unclear.

NM_016734.3(PAX5):c.1112A>G (p.Tyr371Cys)

Gene: PAX5 (paired box 5; minus strand). Cytogenetic location: 9p13.2.
Variant type: single nucleotide variant.
Coding change: c.1112A>G on transcript NM_016734.3 (MANE Select); coding-DNA position 1112, A replaced by G.
Protein change: p.Tyr371Cys; replaces tyrosine 371 with cysteine.
Molecular consequence: missense variant. On other transcripts: non-coding transcript variant (2).
Genome position (GRCh38, 1-based): chr9:36,840,624, T>C on the plus strand (A>G on the coding strand, the complement: PAX5 is on the minus strand). VCF-style: chr9-36840624-T-C. GRCh37 (hg19) VCF-style: chr9-36840621-T-C.
Other names: c.1010A>G, p.Tyr337Cys (NM_001280547.2); c.1025A>G, p.Tyr342Cys (NM_001280548.2); c.880A>G, p.Ile294Val (NM_001280549.2); c.793A>G, p.Ile265Val (NM_001280550.2); c.599A>G, p.Tyr200Cys (NM_001280551.2); c.923A>G, p.Tyr308Cys (NM_001280552.2); c.896A>G, p.Tyr299Cys (NM_001280553.2); c.983A>G, p.Tyr328Cys (NM_001280554.2); and 2 more; short protein forms Y263C, Y308C, Y337C, Y342C, I265V, Y200C, Y271C, Y299C.
Identifiers: ClinVar variation 3414552 (VCV003414552.1).